The following is an entry in ClinVar:

ClinVar aggregate classification (germline): Benign. Review status: criteria provided, multiple submitters, no conflicts (2 of 4 stars). 3 submissions from 3 submitters: Benign (3). Last evaluated 2018-06-29.

Conditions:
Hereditary motor and sensory neuropathy with optic atrophy. Also called: PERIPHERAL NEUROPATHY AND OPTIC ATROPHY; CHARCOT-MARIE-TOOTH DISEASE, TYPE 6. Identifiers: Orphanet 90120, MedGen C0393807, MONDO:0019551.

Allele frequency attached by ClinVar (database versions not stated): TOPMed 0.49621; gnomAD 0.52635; 1000 Genomes Project 0.57288; 1000 Genomes Project 30x 0.56715.

Submissions (3):

GeneDx
Classification: Benign. Last evaluated: 2018-06-29. Review status: criteria provided, single submitter. Criteria: GeneDx Variant Classification Process June 2021. Collection method: clinical testing. Allele origin: germline. Affected: yes.

Illumina Laboratory Services, Illumina
Classification: Benign for Neuropathy, hereditary motor and sensory, type 6A. Last evaluated: 2018-01-12. Review status: criteria provided, single submitter. Criteria: ICSL Variant Classification Criteria 13 December 2019. Collection method: clinical testing. Allele origin: germline.
Comment: This variant was observed in the ICSL laboratory as part of a predisposition screen in an ostensibly healthy population. It had not been previously curated by ICSL or reported in the Human Gene Mutation Database (HGMD: prior to June 1st, 2018), and was therefore a candidate for classification through an automated scoring system. Utilizing variant allele frequency, disease prevalence and penetrance estimates, and inheritance mode, an automated score was calculated to assess if this variant is too frequent to cause the disease. Based on the score and internal cut-off values, a variant classified as benign is not then subjected to further curation. The score for this variant resulted in a classification of benign for this disease.

Breakthrough Genomics
Classification: Benign. Review status: criteria provided, single submitter. Criteria: ACMG Guidelines, 2015. Collection method: not provided. Allele origin: germline. Inheritance: Autosomal recessive inheritance. Affected: yes.

NM_014874.3(MFN2):c.-367A>G

Genes: MFN2 (mitofusin 2; plus strand), LOC129929423 (ATAC-STARR-seq lymphoblastoid silent region 279; plus strand). Cytogenetic location: 1p36.22.
Variant type: single nucleotide variant.
Coding change: c.-367A>G on transcript NM_014874.3; 367 bases upstream of the start codon, A replaced by G.
Genome position (GRCh38, 1-based): chr1:11,980,267, A>G. VCF-style: chr1-11980267-A-G. GRCh37 (hg19) VCF-style: chr1-12040324-A-G.
Identifiers: ClinVar variation 292362 (VCV000292362.9), dbSNP rs2236054, ClinGen allele CA10608016.